The following is an entry in ClinVar:

NM_031418.4(ANO3):c.714C>T (p.Asp238=)

Gene: ANO3 (anoctamin 3; plus strand). Cytogenetic location: 11p14.2.
Variant type: single nucleotide variant.
Coding change: c.714C>T on transcript NM_031418.4 (MANE Select); coding-DNA position 714, C replaced by T.
Protein change: p.Asp238=; no amino-acid change (aspartic acid 238 retained).
Molecular consequence: synonymous variant.
Genome position (GRCh38, 1-based): chr11:26,525,656, C>T. VCF-style: chr11-26525656-C-T. GRCh37 (hg19) VCF-style: chr11-26547203-C-T.
Other names: c.897C>T, p.Asp299= (NM_001313726.2); c.276C>T, p.Asp92= (NM_001313727.2); c.714C>T (NM_031418.3).
Identifiers: ClinVar variation 412870 (VCV000412870.39), dbSNP rs146532706, ClinGen allele CA5925653.

ClinVar aggregate classification (germline): Benign/Likely benign. Review status: criteria provided, multiple submitters, no conflicts (2 of 4 stars). 6 submissions from 6 submitters: Benign (3); Likely benign (2). 1 of the submissions does not count toward it. Last evaluated 2025-11-29.

Conditions:
ANO3-related disorder. Also called: ANO3-related condition.
Dystonic disorder. Also called: Dystonia. Identifiers: MedGen C0013421, MONDO:0003441, HP:0001332.
Dystonia 24 (DYT24). Also called: DYT-ANO3. Identifiers: Orphanet 420485, MedGen C3554374, MONDO:0014019, OMIM 615034.

Allele frequency attached by ClinVar (database versions not stated): gnomAD exomes 0.00025 and 0.00059; ExAC 0.00082; 1000 Genomes Project 0.00240; gnomAD 0.00270 and 0.00288; TOPMed 0.00276; 1000 Genomes Project 30x 0.00281; ESP Exome Variant Server 0.00331.
gnomAD v4.1: 788 of 1,609,678 alleles (0.049%); highest among the groups gnomAD compares: African/African-American, 0.86%; 2 homozygotes.

Submissions (6):

Labcorp Genetics (formerly Invitae), Labcorp
Classification: Benign for Dystonic disorder. Last evaluated: 2025-11-29. Review status: criteria provided, single submitter. Criteria: Invitae Variant Classification Sherloc (09022015). Collection method: clinical testing. Allele origin: germline.

CeGaT Center for Human Genetics Tuebingen
Classification: Likely benign. Last evaluated: 2024-01-01. Review status: criteria provided, single submitter. Criteria: CeGaT Center For Human Genetics Tuebingen Variant Classification Criteria Version 2. Collection method: clinical testing. Allele origin: germline. Affected: yes. Observed: 1 variant allele.
Comment: ANO3: BP4, BP7

Blueprint Genetics
Classification: Likely benign. Last evaluated: 2023-12-28. Review status: criteria provided, single submitter. Criteria: ACMG Guidelines, 2015. Collection method: clinical testing. Allele origin: germline.

Genome-Nilou Lab
Classification: Benign for Dystonia 24. Last evaluated: 2021-12-05. Review status: criteria provided, single submitter. Criteria: ACMG Guidelines, 2015. Collection method: clinical testing. Allele origin: germline. Affected: no.

GeneDx
Classification: Benign. Last evaluated: 2020-03-18. Review status: criteria provided, single submitter. Criteria: GeneDx Variant Classification Process June 2021. Collection method: clinical testing. Allele origin: germline. Affected: yes.

PreventionGenetics, part of Exact Sciences
Classification: Benign for ANO3-related condition. Last evaluated: 2019-06-26. Review status: no assertion criteria provided. Collection method: clinical testing. Allele origin: germline. Not counted in ClinVar's aggregate classification.
Comment: This variant is classified as benign based on ACMG/AMP sequence variant interpretation guidelines (Richards et al. 2015 PMID: 25741868, with internal and published modifications).